The following is an entry in ClinVar:

ClinVar aggregate classification (germline): Uncertain significance. Review status: criteria provided, multiple submitters, no conflicts (2 of 4 stars). 3 submissions from 3 submitters: Uncertain significance (2). 1 of the submissions does not count toward it. Last evaluated 2025-12-29.

Conditions:
Nephronophthisis 9 (NPHP9). Identifiers: Orphanet 655, MedGen C3151188, MONDO:0013444, OMIM 613824.
Inborn genetic diseases. Identifiers: MedGen C0950123, MeSH D030342.
NEK8-related disorder. Also called: NEK8-related condition.

Allele frequency attached by ClinVar (database versions not stated): ExAC 0.00001.
gnomAD v4.1: 11 of 1,614,018 alleles (0.00068%); highest among the groups gnomAD compares: East Asian, 0.0067%; no homozygotes.

Submissions (3):

Labcorp Genetics (formerly Invitae), Labcorp
Classification: Uncertain significance for Nephronophthisis 9. Last evaluated: 2025-12-29. Review status: criteria provided, single submitter. Criteria: Invitae Variant Classification Sherloc (09022015). Collection method: clinical testing. Allele origin: germline.
Comment: This sequence change replaces threonine, which is neutral and polar, with isoleucine, which is neutral and non-polar, at codon 290 of the NEK8 protein (p.Thr290Ile). This variant is present in population databases (rs763926909, gnomAD 0.01%). This variant has not been reported in the literature in individuals affected with NEK8-related conditions. ClinVar contains an entry for this variant (Variation ID: 2218737). An algorithm developed to predict the effect of missense changes on protein structure and function outputs the following: PolyPhen-2: "Benign". The isoleucine amino acid residue is found in multiple mammalian species, which suggests that this missense change does not adversely affect protein function. In summary, the available evidence is currently insufficient to determine the role of this variant in disease. Therefore, it has been classified as a Variant of Uncertain Significance.

Ambry Genetics
Classification: Uncertain significance for Inborn genetic diseases. Last evaluated: 2022-12-01. Review status: criteria provided, single submitter. Criteria: Ambry Variant Classification Scheme 2023. Collection method: clinical testing. Allele origin: germline.

PreventionGenetics, part of Exact Sciences
Classification: Uncertain significance for NEK8-related condition. Last evaluated: 2024-03-18. Review status: no assertion criteria provided. Collection method: clinical testing. Allele origin: germline. Not counted in ClinVar's aggregate classification.
Comment: The NEK8 c.869C>T variant is predicted to result in the amino acid substitution p.Thr290Ile. To our knowledge, this variant has not been reported in the literature. This variant is reported in 0.011% of alleles in individuals of East Asian descent in gnomAD. At this time, the clinical significance of this variant is uncertain due to the absence of conclusive functional and genetic evidence.

NM_178170.3(NEK8):c.869C>T (p.Thr290Ile)

Gene: NEK8 (NIMA related kinase 8; plus strand). Cytogenetic location: 17q11.2.
Variant type: single nucleotide variant.
Coding change: c.869C>T on transcript NM_178170.3 (MANE Select); coding-DNA position 869, C replaced by T.
Protein change: p.Thr290Ile; replaces threonine 290 with isoleucine.
Molecular consequence: missense variant.
Genome position (GRCh38, 1-based): chr17:28,737,716, C>T. VCF-style: chr17-28737716-C-T. GRCh37 (hg19) VCF-style: chr17-27064734-C-T.
Other names: short protein forms T290I.
Identifiers: ClinVar variation 2218737 (VCV002218737.4), dbSNP rs763926909, ClinGen allele CA8467222.